The following is an entry in ClinVar:

NM_005502.4(ABCA1):c.4382C>T (p.Pro1461Leu)

Gene: ABCA1 (ATP binding cassette subfamily A member 1; minus strand). Cytogenetic location: 9q31.1.
Variant type: single nucleotide variant.
Coding change: c.4382C>T on transcript NM_005502.4 (MANE Select); coding-DNA position 4382, C replaced by T.
Protein change: p.Pro1461Leu; replaces proline 1461 with leucine.
Molecular consequence: missense variant.
Genome position (GRCh38, 1-based): chr9:104,806,323, G>A on the plus strand (C>T on the coding strand, the complement: ABCA1 is on the minus strand). VCF-style: chr9-104806323-G-A. GRCh37 (hg19) VCF-style: chr9-107568604-G-A.
Other names: short protein forms P1461L.
Identifiers: ClinVar variation 3078283 (VCV003078283.2), dbSNP rs1830759800, ClinGen allele CA374315621.
Genomic context (GRCh38, chr9:104,806,323, plus strand): 5'-GCCCCTGGGGGACACACAGGCAGCATCTTCTTGATTTTGTCGCTGCTACACTGGCATGCA[G>A]GTGAAGGGTTCTGCATTGTCCAGTTCCCATTCTGGAAGAGGTCCATGATGGTCTGGGGAA-3'
Protein context (NP_005493.2, residues 1451-1471): NGNWTMQNPS[Pro1461Leu]ACQCSSDKIK

ClinVar aggregate classification (germline): Uncertain significance (1 of 4 stars; one submission).

Conditions:
Cardiovascular phenotype. Identifiers: MedGen CN230736.

Allele frequency attached by ClinVar (database versions not stated): gnomAD exomes below 0.00001.
gnomAD v4.1: 1 of 1,614,180 alleles (0.000062%); highest among the groups gnomAD compares: Non-Finnish European, 0.000085%; no homozygotes.

Submission:

Ambry Genetics
Classification: Uncertain significance for Cardiovascular phenotype. Last evaluated: 2025-03-23. Review status: criteria provided, single submitter. Criteria: Ambry Variant Classification Scheme 2023. Collection method: clinical testing. Allele origin: germline.
Comment: The p.P1461L variant (also known as c.4382C>T), located in coding exon 30 of the ABCA1 gene, results from a C to T substitution at nucleotide position 4382. The proline at codon 1461 is replaced by leucine, an amino acid with similar properties. This amino acid position is conserved. In addition, this alteration is predicted to be deleterious by in silico analysis. Based on the available evidence, the clinical significance of this variant remains unclear.